The following is an entry in ClinVar:

NM_001079843.3(CASZ1):c.794T>C (p.Val265Ala)

Gene: CASZ1 (castor zinc finger 1; minus strand). Cytogenetic location: 1p36.22.
Variant type: single nucleotide variant.
Coding change: c.794T>C on transcript NM_001079843.3 (MANE Select); coding-DNA position 794, T replaced by C.
Protein change: p.Val265Ala; replaces valine 265 with alanine.
Molecular consequence: missense variant.
Genome position (GRCh38, 1-based): chr1:10,660,248, A>G on the plus strand (T>C on the coding strand, the complement: CASZ1 is on the minus strand). VCF-style: chr1-10660248-A-G. GRCh37 (hg19) VCF-style: chr1-10720305-A-G.
Other names: c.794T>C, p.Val265Ala (NM_017766.5); short protein forms V265A.
Identifiers: ClinVar variation 769503 (VCV000769503.39), dbSNP rs138985539, ClinGen allele CA585313.

ClinVar aggregate classification (germline): Benign/Likely benign. Review status: criteria provided, multiple submitters, no conflicts (2 of 4 stars). 3 submissions from 3 submitters: Benign (2); Likely benign (1). Last evaluated 2026-08-01.

Allele frequency attached by ClinVar (database versions not stated): 1000 Genomes Project 0.00300; 1000 Genomes Project 30x 0.00328; ESP Exome Variant Server 0.00692; gnomAD 0.00698 and 0.00709; ExAC 0.00728; gnomAD exomes 0.00737; TOPMed 0.00747.
gnomAD v4.1: 12,917 of 1,613,404 alleles (0.8%); highest among the groups gnomAD compares: Middle Eastern, 1.1%; 68 homozygotes.

Submissions (3):

CeGaT Center for Human Genetics Tuebingen
Classification: Likely benign. Last evaluated: 2026-08-01. Review status: criteria provided, single submitter. Criteria: CeGaT Center For Human Genetics Tuebingen Variant Classification Criteria Version 2. Collection method: clinical testing. Allele origin: germline. Affected: yes. Observed: 23 variant alleles.
Comment: CASZ1: BP4, BS2

Labcorp Genetics (formerly Invitae), Labcorp
Classification: Benign. Last evaluated: 2026-01-27. Review status: criteria provided, single submitter. Criteria: Invitae Variant Classification Sherloc (09022015). Collection method: clinical testing. Allele origin: germline.

Breakthrough Genomics
Classification: Benign. Review status: criteria provided, single submitter. Criteria: ACMG Guidelines, 2015. Collection method: not provided. Allele origin: germline. Inheritance: Unknown mechanism. Affected: yes.